The following is an entry in ClinVar:

ClinVar aggregate classification (germline): Uncertain significance (1 of 4 stars; one submission).

Allele frequency attached by ClinVar (database versions not stated): gnomAD exomes below 0.00001.
gnomAD v4.1: 1 of 1,614,088 alleles (0.000062%); highest among the groups gnomAD compares: Middle Eastern, 0.016%; no homozygotes.

Submission:

Labcorp Genetics (formerly Invitae), Labcorp
Classification: Uncertain significance. Last evaluated: 2024-08-13. Review status: criteria provided, single submitter. Criteria: Invitae Variant Classification Sherloc (09022015). Collection method: clinical testing. Allele origin: germline.
Comment: This sequence change replaces aspartic acid, which is acidic and polar, with asparagine, which is neutral and polar, at codon 893 of the C2CD3 protein (p.Asp893Asn). This variant is not present in population databases (gnomAD no frequency). This variant has not been reported in the literature in individuals affected with C2CD3-related conditions. ClinVar contains an entry for this variant (Variation ID: 1391695). Advanced modeling of protein sequence and biophysical properties (such as structural, functional, and spatial information, amino acid conservation, physicochemical variation, residue mobility, and thermodynamic stability) performed at Invitae indicates that this missense variant is expected to disrupt C2CD3 protein function with a positive predictive value of 80%. In summary, the available evidence is currently insufficient to determine the role of this variant in disease. Therefore, it has been classified as a Variant of Uncertain Significance.

NM_001286577.2(C2CD3):c.2677G>A (p.Asp893Asn)

Gene: C2CD3 (C2 domain containing 3 centriole elongation regulator; minus strand). Cytogenetic location: 11q13.4.
Variant type: single nucleotide variant.
Coding change: c.2677G>A on transcript NM_001286577.2 (MANE Select); coding-DNA position 2677, G replaced by A.
Protein change: p.Asp893Asn; replaces aspartic acid 893 with asparagine.
Molecular consequence: missense variant.
Genome position (GRCh38, 1-based): chr11:74,100,580, C>T on the plus strand (G>A on the coding strand, the complement: C2CD3 is on the minus strand). VCF-style: chr11-74100580-C-T. GRCh37 (hg19) VCF-style: chr11-73811625-C-T.
Other names: c.2677G>A, p.Asp893Asn (NM_015531.6); short protein forms D893N.
Identifiers: ClinVar variation 1391695 (VCV001391695.8), dbSNP rs2135493279, ClinGen allele CA381831634.